The following is an entry in ClinVar:

NM_000264.5(PTCH1):c.3021_3022del (p.Ser1008fs)

Gene: PTCH1 (patched 1; minus strand). Cytogenetic location: 9q22.32.
Variant type: Deletion.
Coding change: c.3021_3022del on transcript NM_000264.5 (MANE Select); coding-DNA positions 3021 to 3022, 2 bases deleted (CA; older notation c.3021_3022delCA).
Protein change: p.Ser1008fs; shifts the reading frame from serine 1008.
Molecular consequence: frameshift variant. On other transcripts: non-coding transcript variant (1).
Genome position (GRCh38, 1-based): chr9:95,458,159-95,458,160, TG deleted on the plus strand (CA on the coding strand, the reverse complement: PTCH1 is on the minus strand). VCF-style (leftmost placement, unchanged base first): chr9-95458158-CTG-C. GRCh37 (hg19) VCF-style: chr9-98220440-CTG-C.
Other names: c.3018_3019del, p.Ser1007fs (NM_001083603.3); c.2568_2569del, p.Ser857fs (NM_001083604.3, NM_001083605.3, NM_001083606.3 and 1 more transcripts); c.2823_2824del, p.Ser942fs (NM_001083602.3); c.2865_2866del, p.Ser956fs (NM_001354918.2); short protein forms S857fs, S956fs, S1008fs, S1007fs, S942fs.
Identifiers: ClinVar variation 2832056 (VCV002832056.3), dbSNP rs2538068441, ClinGen allele CA2739269414.
Genomic context (GRCh38, chr9:95,458,158, plus strand): 5'-AGCCAGTGGCGGAGGCCGATGTACTGCTCCCAGAAGAGGAAGGGGTAGCCGTTGGGGTAA[CTG>C]GACAGCCCCAGGCTCGTATAGTTGCTGCAGATGGTCCTTACTTTTTCAATTGCCTCCACA-3'

ClinVar aggregate classification (germline): Pathogenic (1 of 4 stars; one submission).

Conditions:
Gorlin syndrome. Also called: Nevoid Basal Cell Carcinoma Syndrome; Basal cell nevus syndrome. Identifiers: Orphanet 377, MedGen C0004779, MONDO:0007187.

Submission:

Labcorp Genetics (formerly Invitae), Labcorp
Classification: Pathogenic for Gorlin syndrome. Last evaluated: 2023-01-26. Review status: criteria provided, single submitter. Criteria: Invitae Variant Classification Sherloc (09022015). Collection method: clinical testing. Allele origin: germline.
Comment: This sequence change creates a premature translational stop signal (p.Ser1008Leufs*136) in the PTCH1 gene. It is expected to result in an absent or disrupted protein product. Loss-of-function variants in PTCH1 are known to be pathogenic (PMID: 16301862, 16419085). This variant is not present in population databases (gnomAD no frequency). This variant has not been reported in the literature in individuals affected with PTCH1-related conditions. Algorithms developed to predict the effect of sequence changes on RNA splicing suggest that this variant may create or strengthen a splice site. For these reasons, this variant has been classified as Pathogenic.

Literature cited by the submitters: PubMed 16301862; PubMed 16419085.